The following is an entry in ClinVar:

ClinVar aggregate classification (germline): Likely pathogenic. Review status: criteria provided, multiple submitters, no conflicts (2 of 4 stars). 2 submissions from 2 submitters: Likely pathogenic (2). Last evaluated 2022-08-31.

Conditions:
Hereditary fructosuria. Also called: Hereditary fructose intolerance; Fructose intolerance; ALDOB DEFICIENCY; ALDOLASE B DEFICIENCY; FRUCTOSE-1,6-BISPHOSPHATE ALDOLASE B DEFICIENCY; FRUCTOSE-1-PHOSPHATE ALDOLASE DEFICIENCY. Identifiers: Orphanet 469, MedGen C0016751, MONDO:0009249, OMIM 229600, HP:0005973. Disease mechanism: loss of function.

Submissions (2):

Women's Health and Genetics/Laboratory Corporation of America, LabCorp
Classification: Likely pathogenic for Hereditary fructosuria. Last evaluated: 2022-08-31. Review status: criteria provided, single submitter. Criteria: LabCorp Variant Classification Summary - May 2015. Collection method: clinical testing. Allele origin: germline.
Comment: Variant summary: The variant identified by MLPA or other technology involves the deletion of the entire exon 6 and part of exon 7 in the ALDOB gene. A presumed nomenclature of c.541-277_651del1315 has been designated for the purposes of this classification. It is expected to result in a large deletion change in the ALDOB gene, a known mechanism of disease. The variant was absent in 21694 control chromosomes (gnomAD, Structural Variants dataset). To our knowledge, no occurrence of c.541-277_651del1315 in individuals affected with Hereditary Fructose Intolerance and no experimental evidence demonstrating its impact on protein function have been reported. A ClinVar submitter (evaluation after 2014) cites the variant as likely pathogenic. Based on the evidence outlined above, the variant was classified as likely pathogenic.

Labcorp Genetics (formerly Invitae), Labcorp
Classification: Likely pathogenic for Hereditary fructosuria. Last evaluated: 2019-09-20. Review status: criteria provided, single submitter. Criteria: Invitae Variant Classification Sherloc (09022015). Collection method: clinical testing. Allele origin: germline.
Comment: This variant is a deletion of the genomic region encompassing exon 6 and part of exon 7 of the ALDOB gene. It is expected to disrupt RNA splicing and likely results in an absent or disrupted protein product. This variant has not been reported in the literature in individuals with ALDOB-related conditions. Loss-of-function variants in ALDOB are known to be pathogenic (PMID: 18541450). In summary, the currently available evidence indicates that the variant is pathogenic, but additional data are needed to prove that conclusively. Therefore, this variant has been classified as Likely Pathogenic.

NM_000035.4(ALDOB):c.541-277_651del

Gene: ALDOB (aldolase, fructose-bisphosphate B; minus strand). Cytogenetic location: 9q31.1.
Variant type: Deletion.
Coding change: c.541-277_651del on transcript NM_000035.4 (MANE Select); 277 bases into the intron before coding-DNA position 541 through coding-DNA position 651, 1,315 bases deleted.
Molecular consequence: splice acceptor variant, splice donor variant.
Genome position (GRCh38, 1-based): chr9:101,425,601-101,426,915, 1,315 bases deleted. GRCh37 (hg19): chr9:104,187,883-104,189,197.
Identifiers: ClinVar variation 938458 (VCV000938458.2), ClinGen allele CA1139661094.